The following is an entry in ClinVar:

NM_139284.3(LGI4):c.185C>T (p.Thr62Met)

Gene: LGI4 (leucine rich repeat LGI family member 4; minus strand). Cytogenetic location: 19q13.12.
Variant type: single nucleotide variant.
Coding change: c.185C>T on transcript NM_139284.3 (MANE Select); coding-DNA position 185, C replaced by T.
Protein change: p.Thr62Met; replaces threonine 62 with methionine.
Molecular consequence: missense variant.
Genome position (GRCh38, 1-based): chr19:35,134,090, G>A on the plus strand (C>T on the coding strand, the complement: LGI4 is on the minus strand). VCF-style: chr19-35134090-G-A. GRCh37 (hg19) VCF-style: chr19-35624994-G-A.
Other names: short protein forms T62M.
Identifiers: ClinVar variation 1274253 (VCV001274253.4), dbSNP rs35849647, ClinGen allele CA9373436.
Genomic context (GRCh38, chr19:35,134,090, plus strand): 5'-CACAGCAGGTGCAGAGACGGAATTCTCAGGAAGCTGCCGGCCTTCAGCTGGGTGACTCCC[G>A]TCCTGACGAGTGAGCTGGGGATGTGGGCAGTGGTAGGTGAGAGGGACACCACAGCAATAC-3'
Protein context (NP_644813.1, residues 52-72): PTLLSLSLVR[Thr62Met]GVTQLKAGSF

ClinVar aggregate classification (germline): Benign. Review status: criteria provided, multiple submitters, no conflicts (2 of 4 stars). 3 submissions from 3 submitters: Benign (2). 1 of the submissions does not count toward it. Last evaluated 2021-05-04.

Conditions:
LGI4-related disorder. Also called: LGI4-related condition.

Allele frequency attached by ClinVar (database versions not stated): ExAC 0.02201; gnomAD 0.03276 and 0.03517; ESP Exome Variant Server 0.03662; TOPMed 0.03830; 1000 Genomes Project 0.04133; 1000 Genomes Project 30x 0.04294.
gnomAD v4.1: 10,112 of 1,565,046 alleles (0.65%); highest among the groups gnomAD compares: African/African-American, 11%; 515 homozygotes.

Submissions (3):

GeneDx
Classification: Benign. Last evaluated: 2021-05-04. Review status: criteria provided, single submitter. Criteria: GeneDx Variant Classification Process June 2021. Collection method: clinical testing. Allele origin: germline. Affected: yes.

Breakthrough Genomics
Classification: Benign. Review status: criteria provided, single submitter. Criteria: ACMG Guidelines, 2015. Collection method: not provided. Allele origin: germline. Inheritance: Autosomal recessive inheritance. Affected: yes.

PreventionGenetics, part of Exact Sciences
Classification: Benign for LGI4-related condition. Last evaluated: 2020-02-19. Review status: no assertion criteria provided. Collection method: clinical testing. Allele origin: germline. Not counted in ClinVar's aggregate classification.
Comment: This variant is classified as benign based on ACMG/AMP sequence variant interpretation guidelines (Richards et al. 2015 PMID: 25741868, with internal and published modifications).